The following is an entry in ClinVar:

NM_002529.4(NTRK1):c.1077C>T (p.Tyr359=)

Gene: NTRK1 (neurotrophic receptor tyrosine kinase 1; plus strand). Cytogenetic location: 1q23.1.
Variant type: single nucleotide variant.
Coding change: c.1077C>T on transcript NM_002529.4 (MANE Select); coding-DNA position 1077, C replaced by T.
Protein change: p.Tyr359=; no amino-acid change (tyrosine 359 retained).
Molecular consequence: synonymous variant.
Genome position (GRCh38, 1-based): chr1:156,873,859, C>T. VCF-style: chr1-156873859-C-T. GRCh37 (hg19) VCF-style: chr1-156843651-C-T.
Other names: c.987C>T, p.Tyr329= (NM_001007792.1); c.1077C>T, p.Tyr359= (NM_001012331.2).
Identifiers: ClinVar variation 381387 (VCV000381387.4), dbSNP rs1057521034, ClinGen allele CA16603430.
Genomic context (GRCh38, chr1:156,873,859, plus strand): 5'-GACCGTGCGGCACGGGTGTCTGCGCCTCAACCAGCCCACCCACGTCAACAACGGCAACTA[C>T]ACGCTGCTGGCTGCCAACCCCTTCGGCCAGGCCTCCGCCTCCATCATGGCTGCCTTCATG-3'
Protein context (NP_002520.2, residues 349-369): NQPTHVNNGN[Tyr359=]TLLAANPFGQ

ClinVar aggregate classification (germline): Likely benign. Review status: criteria provided, multiple submitters, no conflicts (2 of 4 stars). 3 submissions from 3 submitters: Likely benign (3). Last evaluated 2023-04-11.

Conditions:
Inborn genetic diseases. Identifiers: MedGen C0950123, MeSH D030342.
Hereditary insensitivity to pain with anhidrosis (CIPA). Also called: hereditary sensory and autonomic neuropathy type 4; HSAN Type IV; NEUROPATHY, CONGENITAL SENSORY, WITH ANHIDROSIS; NTRK1 Congenital Insensitivity to Pain with Anhidrosis; INSENSITIVITY TO PAIN, CONGENITAL, WITH ANHIDROSIS; FAMILIAL DYSAUTONOMIA, TYPE II. Identifiers: Orphanet 642, MedGen C0020074, MONDO:0009746, OMIM 256800.

Allele frequency attached by ClinVar (database versions not stated): gnomAD exomes below 0.00001; TOPMed below 0.00001.
gnomAD v4.1: 3 of 1,606,000 alleles (0.00019%); highest among the groups gnomAD compares: African/African-American, 0.0013%; no homozygotes.

Submissions (3):

Genome-Nilou Lab
Classification: Likely benign for Hereditary insensitivity to pain with anhidrosis. Last evaluated: 2023-04-11. Review status: criteria provided, single submitter. Criteria: ACMG Guidelines, 2015. Collection method: clinical testing. Allele origin: germline. Affected: no.

Ambry Genetics
Classification: Likely benign for Inborn genetic diseases. Last evaluated: 2019-07-11. Review status: criteria provided, single submitter. Criteria: Ambry Variant Classification Scheme 2023. Collection method: clinical testing. Allele origin: germline.

GeneDx
Classification: Likely benign. Last evaluated: 2015-11-20. Review status: criteria provided, single submitter. Criteria: GeneDx Variant Classification (06012015). Collection method: clinical testing. Allele origin: germline. Affected: yes.
Comment: This variant is considered likely benign or benign based on one or more of the following criteria: it is a conservative change, it occurs at a poorly conserved position in the protein, it is predicted to be benign by multiple in silico algorithms, and/or has population frequency not consistent with disease.